The following is an entry in ClinVar:

NM_004415.4(DSP):c.466A>G (p.Ile156Val)

Gene: DSP (desmoplakin; plus strand). Cytogenetic location: 6p24.3.
Variant type: single nucleotide variant.
Coding change: c.466A>G on transcript NM_004415.4 (MANE Select); coding-DNA position 466, A replaced by G.
Protein change: p.Ile156Val; replaces isoleucine 156 with valine.
Molecular consequence: missense variant.
Genome position (GRCh38, 1-based): chr6:7,559,269, A>G. VCF-style: chr6-7559269-A-G. GRCh37 (hg19) VCF-style: chr6-7559502-A-G.
Other names: c.466A>G, p.Ile156Val (NM_001008844.3, NM_001319034.2, NM_001406591.1); short protein forms I156V.
Identifiers: ClinVar variation 2775262 (VCV002775262.4), dbSNP rs774706853, ClinGen allele CA042378.

ClinVar aggregate classification (germline): Uncertain significance. Review status: criteria provided, multiple submitters, no conflicts (2 of 4 stars). 3 submissions from 3 submitters: Uncertain significance (3). Last evaluated 2024-11-30.

Conditions:
Arrhythmogenic right ventricular dysplasia 8 (ARVD8). Also called: Arrhythmogenic Right Ventricular Dysplasia/Cardiomyopathy 8; ARRHYTHMOGENIC RIGHT VENTRICULAR DYSPLASIA, FAMILIAL, 8; ARRHYTHMOGENIC RIGHT VENTRICULAR CARDIOMYOPATHY 8. Identifiers: MedGen C1843896, MONDO:0011831, OMIM 607450.
Arrhythmogenic cardiomyopathy with wooly hair and keratoderma. Also called: PALMOPLANTAR KERATODERMA WITH LEFT VENTRICULAR CARDIOMYOPATHY AND WOOLLY HAIR; Dilated cardiomyopathy with woolly hair and keratoderma; Arrhythmogenic cardiomyopathy with woolly hair and keratoderma; Carvajal syndrome. Identifiers: Orphanet 65282, MedGen C1854063, MONDO:0011581, OMIM 605676.
Cardiomyopathy (CMYO). Also called: Cardiomyopathies. Identifiers: Orphanet 167848, MedGen C0878544, MONDO:0004994, HP:0001638. Inheritance: Various modes of inheritance.
Cardiovascular phenotype. Identifiers: MedGen CN230736.

Allele frequency attached by ClinVar (database versions not stated): gnomAD 0.00001; TOPMed 0.00001.
gnomAD v4.1: 1 of 1,613,910 alleles (0.000062%); highest among the groups gnomAD compares: Non-Finnish European, 0.000085%; no homozygotes.

Submissions (3):

Ambry Genetics
Classification: Uncertain significance for Cardiovascular phenotype. Last evaluated: 2024-11-30. Review status: criteria provided, single submitter. Criteria: Ambry Variant Classification Scheme 2023. Collection method: clinical testing. Allele origin: germline.
Comment: The p.I156V variant (also known as c.466A>G), located in coding exon 4 of the DSP gene, results from an A to G substitution at nucleotide position 466. The isoleucine at codon 156 is replaced by valine, an amino acid with highly similar properties. This amino acid position is conserved. In addition, this alteration is predicted to be tolerated by in silico analysis. Based on the available evidence, the clinical significance of this variant remains unclear.

Labcorp Genetics (formerly Invitae), Labcorp
Classification: Uncertain significance for Arrhythmogenic cardiomyopathy with wooly hair and keratoderma; Arrhythmogenic right ventricular dysplasia 8. Last evaluated: 2024-11-27. Review status: criteria provided, single submitter. Criteria: Invitae Variant Classification Sherloc (09022015). Collection method: clinical testing. Allele origin: germline.
Comment: This sequence change replaces isoleucine, which is neutral and non-polar, with valine, which is neutral and non-polar, at codon 156 of the DSP protein (p.Ile156Val). This variant is present in population databases (rs774706853, gnomAD 0.0009%). This variant has not been reported in the literature in individuals affected with DSP-related conditions. ClinVar contains an entry for this variant (Variation ID: 2775262). An algorithm developed to predict the effect of missense changes on protein structure and function (PolyPhen-2) suggests that this variant¬¨‚Ä†is likely to be tolerated. In summary, the available evidence is currently insufficient to determine the role of this variant in disease. Therefore, it has been classified as a Variant of Uncertain Significance.

Color Diagnostics, LLC DBA Color Health
Classification: Uncertain significance for Cardiomyopathy. Last evaluated: 2024-03-07. Review status: criteria provided, single submitter. Criteria: ACMG Guidelines, 2015. Collection method: clinical testing. Allele origin: germline.
Comment: This missense variant replaces isoleucine with valine at codon 156 of the DSP protein. Computational prediction suggests that this variant may not impact protein structure and function (internally defined REVEL score threshold <= 0.5, PMID: 27666373). To our knowledge, functional studies have not been reported for this variant. This variant has not been reported in individuals affected with cardiovascular disorders in the literature. This variant has not been identified in the general population by the Genome Aggregation Database (gnomAD). The available evidence is insufficient to determine the role of this variant in disease conclusively. Therefore, this variant is classified as a Variant of Uncertain Significance.